The following is an entry in ClinVar:

NM_001267550.2(TTN):c.3785T>C (p.Ile1262Thr)

Genes: TTN (titin; minus strand), LOC101927055 (uncharacterized LOC101927055; plus strand). Cytogenetic location: 2q31.2.
Variant type: single nucleotide variant.
Coding change: c.3785T>C on transcript NM_001267550.2 (MANE Select); coding-DNA position 3785, T replaced by C.
Protein change: p.Ile1262Thr; replaces isoleucine 1262 with threonine.
Molecular consequence: missense variant.
Genome position (GRCh38, 1-based): chr2:178,779,407, A>G on the plus strand (T>C on the coding strand, the complement: TTN is on the minus strand). VCF-style: chr2-178779407-A-G. GRCh37 (hg19) VCF-style: chr2-179644134-A-G.
Other names: c.3785T>C, p.Ile1262Thr (NM_001256850.1, NM_133378.4, NM_133379.5); c.3647T>C, p.Ile1216Thr (NM_003319.4, NM_133432.3, NM_133437.4); short protein forms I1216T, I1262T.
Identifiers: ClinVar variation 992202 (VCV000992202.3), dbSNP rs752505720, ClinGen allele CA2005468.

ClinVar aggregate classification (germline): Conflicting classifications of pathogenicity. Review status: criteria provided, conflicting classifications (1 of 4 stars). 2 submissions from 2 submitters: Uncertain significance (1); Likely benign (1). Last evaluated 2025-04-09.

Allele frequency attached by ClinVar (database versions not stated): gnomAD 0.00001; gnomAD exomes 0.00001 and 0.00003; TOPMed 0.00001; ExAC 0.00002.
gnomAD v4.1: 9 of 1,583,080 alleles (0.00057%); highest among the groups gnomAD compares: Admixed American, 0.005%; no homozygotes.

Submissions (2):

Molecular Diagnostic Laboratory for Inherited Cardiovascular Disease, Montreal Heart Institute
Classification: Likely benign. Last evaluated: 2025-04-09. Review status: criteria provided, single submitter. Criteria: ACMG Guidelines, 2015. Collection method: clinical testing. Allele origin: germline. Affected: no.
Comment: BP1

Women's Health and Genetics/Laboratory Corporation of America, LabCorp
Classification: Uncertain significance. Last evaluated: 2021-11-22. Review status: criteria provided, single submitter. Criteria: LabCorp Variant Classification Summary - May 2015. Collection method: clinical testing. Allele origin: germline.
Comment: Variant summary: TTN c.3785T>C (p.Ile1262Thr) results in a non-conservative amino acid change located in the near Z-disk domain of the encoded protein sequence. Four of five in-silico tools predict a damaging effect of the variant on protein function. The variant allele was found at a frequency of 2.9e-05 in 242636 control chromosomes (gnomAD). The available data on variant occurrences in the general population are insufficient to allow any conclusion about variant significance. To our knowledge, no occurrence of c.3785T>C in individuals affected with Dilated Cardiomyopathy and no experimental evidence demonstrating its impact on protein function have been reported. One co-occurrence with another pathogenic variant has been internally reported (LMNA c.725C>T, p.Ala242Val), providing supporting evidence for a benign rol.. No clinical diagnostic laboratories have submitted clinical-significance assessments for this variant to ClinVar after 2014. Based on the evidence outlined above, the variant was classified as uncertain significance.